The following is an entry in ClinVar:

ClinVar aggregate classification (germline): Likely benign. Review status: criteria provided, multiple submitters, no conflicts (2 of 4 stars). 5 submissions from 5 submitters: Likely benign (5). Last evaluated 2026-01-05.

Conditions:
Dystonia 12 (DYT12). Also called: DYT-ATP1A3; Rapid-Onset Dystonia-Parkinsonism (RDP). Identifiers: Orphanet 71517, MedGen C1868681, MONDO:0007496, OMIM 128235.

Allele frequency attached by ClinVar (database versions not stated): gnomAD exomes 0.00001 and 0.00002; gnomAD 0.00002; ExAC 0.00003; TOPMed 0.00005; ESP Exome Variant Server 0.00008.
gnomAD v4.1: 20 of 1,613,400 alleles (0.0012%); highest among the groups gnomAD compares: South Asian, 0.0022%; no homozygotes.

Submissions (5):

Labcorp Genetics (formerly Invitae), Labcorp
Classification: Likely benign for Dystonia 12. Last evaluated: 2026-01-05. Review status: criteria provided, single submitter. Criteria: Invitae Variant Classification Sherloc (09022015). Collection method: clinical testing. Allele origin: germline.

Blueprint Genetics
Classification: Likely benign. Last evaluated: 2024-05-22. Review status: criteria provided, single submitter. Criteria: ACMG Guidelines, 2015. Collection method: clinical testing. Allele origin: germline.

Women's Health and Genetics/Laboratory Corporation of America, LabCorp
Classification: Likely benign. Last evaluated: 2024-01-18. Review status: criteria provided, single submitter. Criteria: LabCorp Variant Classification Summary - May 2015. Collection method: clinical testing. Allele origin: germline.

Athena Diagnostics
Classification: Likely benign. Last evaluated: 2023-12-29. Review status: criteria provided, single submitter. Criteria: Athena Diagnostics Criteria. Collection method: clinical testing. Allele origin: unknown.

CeGaT Center for Human Genetics Tuebingen
Classification: Likely benign. Last evaluated: 2023-02-01. Review status: criteria provided, single submitter. Criteria: CeGaT Center For Human Genetics Tuebingen Variant Classification Criteria Version 2. Collection method: clinical testing. Allele origin: germline. Affected: yes. Observed: 1 variant allele.
Comment: ATP1A3: BP4, BP7

NM_152296.5(ATP1A3):c.2973C>T (p.Tyr991=)

Gene: ATP1A3 (ATPase Na+/K+ transporting subunit alpha 3; minus strand). Cytogenetic location: 19q13.2.
Variant type: single nucleotide variant.
Coding change: c.2973C>T on transcript NM_152296.5 (MANE Select); coding-DNA position 2973, C replaced by T.
Protein change: p.Tyr991=; no amino-acid change (tyrosine 991 retained).
Molecular consequence: synonymous variant.
Genome position (GRCh38, 1-based): chr19:41,967,289, G>A on the plus strand (C>T on the coding strand, the complement: ATP1A3 is on the minus strand). VCF-style: chr19-41967289-G-A. GRCh37 (hg19) VCF-style: chr19-42471441-G-A.
Other names: c.3006C>T, p.Tyr1002= (NM_001256213.2); c.3012C>T, p.Tyr1004= (NM_001256214.2); c.2973C>T (NM_152296.4).
Identifiers: ClinVar variation 1078544 (VCV001078544.35), dbSNP rs372919447, ClinGen allele CA9467235.
Genomic context (GRCh38, chr19:41,967,289, plus strand): 5'-GCCTTGCCGAGCTCCCTCACCCCCTGGGTTCCTGCGCAGGATGAGTTTGCGGATTTCGTC[G>A]TAGACGAAGATGAGGAAACTGTAGGGGAAGGCACAGAACCACCAGCTGGGCCTGCAGAGG-3'
Protein context (NP_689509.1, residues 981-1001): AFPYSFLIFV[Tyr991=]DEIRKLILRR